The following is an entry in ClinVar:

ClinVar aggregate classification (germline): Conflicting classifications of pathogenicity. Review status: criteria provided, conflicting classifications (1 of 4 stars). 3 submissions from 3 submitters: Uncertain significance (2); Likely benign (1). Last evaluated 2025-12-01.

Conditions:
Hereditary breast ovarian cancer syndrome. Also called: Hereditary breast and ovarian cancer syndrome (HBOC); Hereditary breast and ovarian cancer syndrome; Breast and ovarian cancer; Hereditary breast and ovarian cancer; Hereditary breast and/or ovarian cancer syndrome; BRCA1- and BRCA2-Associated Hereditary Breast and Ovarian Cancer. Identifiers: Orphanet 145, MedGen C0677776, MeSH D061325, MONDO:0003582. Disease mechanism: loss of function.
Hereditary cancer-predisposing syndrome. Also called: Neoplastic Syndromes, Hereditary; Tumor predisposition; Hereditary neoplastic syndrome; Hereditary Cancer Syndrome. Identifiers: Orphanet 140162, MedGen C0027672, MeSH D009386, MONDO:0015356.

Allele frequency attached by ClinVar (database versions not stated): gnomAD exomes 0.00001.
gnomAD v4.1: 3 of 1,614,068 alleles (0.00019%); highest among the groups gnomAD compares: Admixed American, 0.0033%; no homozygotes.

Submissions (3):

Labcorp Genetics (formerly Invitae), Labcorp
Classification: Uncertain significance for Hereditary breast ovarian cancer syndrome. Last evaluated: 2025-12-01. Review status: criteria provided, single submitter. Criteria: Invitae Variant Classification Sherloc (09022015). Collection method: clinical testing. Allele origin: germline.
Comment: This sequence change replaces serine, which is neutral and polar, with glycine, which is neutral and non-polar, at codon 2572 of the BRCA2 protein (p.Ser2572Gly). This variant is present in population databases (no rsID available, gnomAD 0.006%). This variant has not been reported in the literature in individuals affected with BRCA2-related conditions. ClinVar contains an entry for this variant (Variation ID: 662784). Invitae Evidence Modeling of protein sequence and biophysical properties (such as structural, functional, and spatial information, amino acid conservation, physicochemical variation, residue mobility, and thermodynamic stability) indicates that this missense variant is not expected to disrupt BRCA2 protein function with a negative predictive value of 95%. In summary, the available evidence is currently insufficient to determine the role of this variant in disease. Therefore, it has been classified as a Variant of Uncertain Significance.

Ambry Genetics
Classification: Likely benign for Hereditary cancer-predisposing syndrome. Last evaluated: 2021-10-22. Review status: criteria provided, single submitter. Criteria: Ambry Variant Classification Scheme 2023. Collection method: clinical testing. Allele origin: germline.

Color Diagnostics, LLC DBA Color Health
Classification: Uncertain significance for Hereditary cancer-predisposing syndrome. Last evaluated: 2019-11-25. Review status: criteria provided, single submitter. Criteria: ACMG Guidelines, 2015. Collection method: clinical testing. Allele origin: germline.
Comment: This missense variant replaces serine with glycine at codon 2572 of the BRCA2 protein. Computational prediction suggests that this variant may not impact protein structure and function (internally defined REVEL score threshold <= 0.5, PMID: 27666373). Splice site prediction tools suggest that this variant may not impact RNA splicing. To our knowledge, functional studies have not been performed for this variant. This variant has not been reported in individuals affected with hereditary cancer in the literature. This variant has been identified in 2/251382 chromosomes in the general population by the Genome Aggregation Database (gnomAD). The available evidence is insufficient to determine the role of this variant in disease conclusively. Therefore, this variant is classified as a Variant of Uncertain Significance.

NM_000059.4(BRCA2):c.7714A>G (p.Ser2572Gly)

Gene: BRCA2 (BRCA2 DNA repair associated; plus strand). Cytogenetic location: 13q13.1.
Variant type: single nucleotide variant.
Coding change: c.7714A>G on transcript NM_000059.4 (MANE Select); coding-DNA position 7714, A replaced by G.
Protein change: p.Ser2572Gly; replaces serine 2572 with glycine.
Molecular consequence: missense variant.
Genome position (GRCh38, 1-based): chr13:32,357,838, A>G. VCF-style: chr13-32357838-A-G. GRCh37 (hg19) VCF-style: chr13-32931975-A-G.
Other names: short protein forms S2572G.
Identifiers: ClinVar variation 662784 (VCV000662784.14), dbSNP rs1060502442, ClinGen allele CA387745375.
Genomic context (GRCh38, chr13:32,357,838, plus strand): 5'-ATTAACAGCAAAAATGCAGAGTCTTTTCAGTTTCACACTGAAGATTATTTTGGTAAGGAA[A>G]GTTTATGGACTGGAAAAGGAATACAGTTGGCTGATGGTGGATGGCTCATACCCTCCAATG-3'
Protein context (NP_000050.3, residues 2562-2582): FHTEDYFGKE[Ser2572Gly]LWTGKGIQLA